The following is an entry in ClinVar:

ClinVar aggregate classification (germline): Likely benign (0 of 4 stars; one submission).

Conditions:
GAB1-related disorder. Also called: GAB1-related condition.

Allele frequency attached by ClinVar (database versions not stated): gnomAD exomes 0.00002; ESP Exome Variant Server 0.00015; 1000 Genomes Project 0.00020; 1000 Genomes Project 30x 0.00062.
gnomAD v4.1: 47 of 1,614,080 alleles (0.0029%); highest among the groups gnomAD compares: African/African-American, 0.045%; no homozygotes.

Submission:

PreventionGenetics, part of Exact Sciences
Classification: Likely benign for GAB1-related condition. Last evaluated: 2019-11-13. Review status: no assertion criteria provided. Collection method: clinical testing. Allele origin: germline.
Comment: This variant is classified as likely benign based on ACMG/AMP sequence variant interpretation guidelines (Richards et al. 2015 PMID: 25741868, with internal and published modifications).

NM_002039.4(GAB1):c.2064G>A (p.Thr688=)

Gene: GAB1 (GRB2 associated binding protein 1; plus strand). Cytogenetic location: 4q31.21.
Variant type: single nucleotide variant.
Coding change: c.2064G>A on transcript NM_002039.4 (MANE Select); coding-DNA position 2064, G replaced by A.
Protein change: p.Thr688=; no amino-acid change (threonine 688 retained).
Molecular consequence: synonymous variant.
Genome position (GRCh38, 1-based): chr4:143,469,168, G>A. VCF-style: chr4-143469168-G-A. GRCh37 (hg19) VCF-style: chr4-144390321-G-A.
Other names: c.2154G>A, p.Thr718= (NM_207123.3).
Identifiers: ClinVar variation 3045706 (VCV003045706.2), dbSNP rs149543731, ClinGen allele CA3090794.